The following is an entry in ClinVar:

ClinVar aggregate classification (germline): Uncertain significance (1 of 4 stars; one submission).

gnomAD v4.1: 1 of 1,614,160 alleles (0.000062%); no homozygotes.

Submission:

Labcorp Genetics (formerly Invitae), Labcorp
Classification: Uncertain significance. Last evaluated: 2022-09-13. Review status: criteria provided, single submitter. Criteria: Invitae Variant Classification Sherloc (09022015). Collection method: clinical testing. Allele origin: germline.
Comment: In summary, the available evidence is currently insufficient to determine the role of this variant in disease. Therefore, it has been classified as a Variant of Uncertain Significance. Algorithms developed to predict the effect of missense changes on protein structure and function are either unavailable or do not agree on the potential impact of this missense change (SIFT: "Deleterious"; PolyPhen-2: "Probably Damaging"; Align-GVGD: "Class C0"). This variant has not been reported in the literature in individuals affected with RP1-related conditions. This variant is not present in population databases (gnomAD no frequency). This sequence change replaces asparagine, which is neutral and polar, with serine, which is neutral and polar, at codon 1751 of the RP1 protein (p.Asn1751Ser).

NM_006269.2(RP1):c.5252A>G (p.Asn1751Ser)

Genes: RP1 (RP1 axonemal microtubule associated; plus strand), LOC126860392 (CDK7 strongly-dependent group 2 enhancer GRCh37_chr8:55541319-55542518; plus strand). Cytogenetic location: 8q12.1.
Variant type: single nucleotide variant.
Coding change: c.5252A>G on transcript NM_006269.2 (MANE Select); coding-DNA position 5252, A replaced by G.
Protein change: p.Asn1751Ser; replaces asparagine 1751 with serine.
Molecular consequence: missense variant. On other transcripts: intron variant (1).
Genome position (GRCh38, 1-based): chr8:54,629,134, A>G. VCF-style: chr8-54629134-A-G. GRCh37 (hg19) VCF-style: chr8-55541694-A-G.
Other names: c.787+6846A>G (NM_001375654.1); short protein forms N1751S.
Identifiers: ClinVar variation 1715355 (VCV001715355.6), dbSNP rs2536588390, ClinGen allele CA370985304.
Genomic context (GRCh38, chr8:54,629,134, plus strand): 5'-TCCTCACAGACATAGAGGAAGGAGTACTGATTGACAAAGGCAAATGGCTTCTGAAAGAAA[A>G]TCATTTGCTAAGGATGTCATCTGAAAATCCTGGCATGTGTGGCAATGCAGACACCACATC-3'
Protein context (NP_006260.1, residues 1741-1761): IDKGKWLLKE[Asn1751Ser]HLLRMSSENP